The following is an entry in ClinVar:

NM_033448.3(KRT71):c.1092C>G (p.Asn364Lys)

Gene: KRT71 (keratin 71; minus strand). Cytogenetic location: 12q13.13.
Variant type: single nucleotide variant.
Coding change: c.1092C>G on transcript NM_033448.3 (MANE Select); coding-DNA position 1092, C replaced by G.
Protein change: p.Asn364Lys; replaces asparagine 364 with lysine.
Molecular consequence: missense variant.
Genome position (GRCh38, 1-based): chr12:52,547,869, G>C on the plus strand (C>G on the coding strand, the complement: KRT71 is on the minus strand). VCF-style: chr12-52547869-G-C. GRCh37 (hg19) VCF-style: chr12-52941653-G-C.
Other names: short protein forms N364K.
Identifiers: ClinVar variation 4704903 (VCV004704903.1).

ClinVar aggregate classification (germline): Uncertain significance (1 of 4 stars; one submission).

Submission:

Labcorp Genetics (formerly Invitae), Labcorp
Classification: Uncertain significance. Last evaluated: 2025-03-28. Review status: criteria provided, single submitter. Criteria: Invitae Variant Classification Sherloc (09022015). Collection method: clinical testing. Allele origin: germline.
Comment: This sequence change replaces asparagine, which is neutral and polar, with lysine, which is basic and polar, at codon 364 of the KRT71 protein (p.Asn364Lys). This variant is not present in population databases (gnomAD no frequency). This variant has not been reported in the literature in individuals affected with KRT71-related conditions. Invitae Evidence Modeling of protein sequence and biophysical properties (such as structural, functional, and spatial information, amino acid conservation, physicochemical variation, residue mobility, and thermodynamic stability) indicates that this missense variant is not expected to disrupt KRT71 protein function with a negative predictive value of 80%. In summary, the available evidence is currently insufficient to determine the role of this variant in disease. Therefore, it has been classified as a Variant of Uncertain Significance.